The following is an entry in ClinVar:

NM_001242896.3(DEPDC5):c.1287G>C (p.Lys429Asn)

Gene: DEPDC5 (DEP domain containing 5, GATOR1 subcomplex subunit; plus strand). Cytogenetic location: 22q12.3.
Variant type: single nucleotide variant.
Coding change: c.1287G>C on transcript NM_001242896.3 (MANE Select); coding-DNA position 1287, G replaced by C.
Protein change: p.Lys429Asn; replaces lysine 429 with asparagine.
Molecular consequence: missense variant. On other transcripts: non-coding transcript variant (5).
Genome position (GRCh38, 1-based): chr22:31,806,191, G>C. VCF-style: chr22-31806191-G-C. GRCh37 (hg19) VCF-style: chr22-32202177-G-C.
Other names: c.1287G>C, p.Lys429Asn (NM_001007188.4, NM_001136029.4, NM_001242897.2 and 7 more transcripts); c.1203G>C, p.Lys401Asn (NM_001369901.1, NM_001369902.1); short protein forms K401N, K429N.
Identifiers: ClinVar variation 5006480 (VCV005006480.2).
Genomic context (GRCh38, chr22:31,806,191, plus strand): 5'-ATCCAAAAGCCAGCTCTTTTGTAATAGTTTCACCCCACGAATAAAACTGGCAGGAAAGAA[G>C]GTAGGTTTTTATTTTTGTTAAGACGGGGTCTTATTATGTGGTCCAGTCTTATCTTGAGCT-3'
Protein context (NP_001229825.1, residues 419-439): FTPRIKLAGK[Lys429Asn]PASEKAKNGR

ClinVar aggregate classification (germline): Uncertain significance (1 of 4 stars; one submission).

Conditions:
Developmental and epileptic encephalopathy 111 (DEE111). Identifiers: MedGen C5882690, MONDO:0957780, OMIM 620504.
Epilepsy, familial focal, with variable foci 1 (FFEVF1). Also called: DEPDC5-Related Epilepsy. Identifiers: MedGen C4551983, MONDO:0024556, OMIM 604364.

Submission:

Juno Genomics, Hangzhou Juno Genomics, Inc
Classification: Uncertain significance for Developmental and epileptic encephalopathy 111; Epilepsy, familial focal, with variable foci 1. Review status: criteria provided, single submitter. Criteria: ACMG Guidelines, 2015. Collection method: clinical testing. Allele origin: germline.
Comment: Absent from controls (or at extremely low frequency if recessive) in Genome Aggregation Database.;Missense variant in a gene that has a low rate of benign missense variation.